The following is an entry in ClinVar:

ClinVar aggregate classification (germline): Conflicting classifications of pathogenicity. Review status: criteria provided, conflicting classifications (1 of 4 stars). 3 submissions from 3 submitters: Likely pathogenic (1); Uncertain significance (2). Last evaluated 2026-01-18.

Conditions:
Hereditary cancer-predisposing syndrome. Also called: Neoplastic Syndromes, Hereditary; Tumor predisposition; Hereditary neoplastic syndrome; Hereditary Cancer Syndrome. Identifiers: Orphanet 140162, MedGen C0027672, MeSH D009386, MONDO:0015356.
Rhabdoid tumor predisposition syndrome 2 (RTPS2). Identifiers: Orphanet 231108, Orphanet 69077, MedGen C2750074, MONDO:0013224, OMIM 613325.

Submissions (3):

Ambry Genetics
Classification: Uncertain significance for Hereditary cancer-predisposing syndrome. Last evaluated: 2026-01-18. Review status: criteria provided, single submitter. Criteria: Ambry Variant Classification Scheme 2023. Collection method: clinical testing. Allele origin: germline.
Comment: The p.P946R variant (also known as c.2837C>G), located in coding exon 18 of the SMARCA4 gene, results from a C to G substitution at nucleotide position 2837. The proline at codon 946 is replaced by arginine, an amino acid with dissimilar properties. This amino acid position is conserved. In addition, this alteration is predicted to be deleterious by in silico analysis. Based on the available evidence, the clinical significance of this variant remains unclear.

Labcorp Genetics (formerly Invitae), Labcorp
Classification: Likely pathogenic for Rhabdoid tumor predisposition syndrome 2. Last evaluated: 2022-05-31. Review status: criteria provided, single submitter. Criteria: Invitae Variant Classification Sherloc (09022015). Collection method: clinical testing. Allele origin: germline.
Comment: Algorithms developed to predict the effect of missense changes on protein structure and function (SIFT, PolyPhen-2, Align-GVGD) all suggest that this variant is likely to be disruptive. In summary, the currently available evidence indicates that the variant is pathogenic, but additional data are needed to prove that conclusively. Therefore, this variant has been classified as Likely Pathogenic. ClinVar contains an entry for this variant (Variation ID: 436811). This missense change has been observed in individual(s) with Coffin-Siris syndrome (Invitae). In at least one individual the variant was observed to be de novo. This variant is not present in population databases (gnomAD no frequency). This sequence change replaces proline, which is neutral and non-polar, with arginine, which is basic and polar, at codon 946 of the SMARCA4 protein (p.Pro946Arg).

Genetic Services Laboratory, University of Chicago
Classification: Uncertain significance. Last evaluated: 2015-09-24. Review status: criteria provided, single submitter. Criteria: ACMG Guidelines, 2015. Collection method: clinical testing. Allele origin: germline. Affected: no.

NM_003072.5(SMARCA4):c.2837C>G (p.Pro946Arg)

Gene: SMARCA4 (SWI/SNF related BAF chromatin remodeling complex subunit ATPase 4; plus strand). Cytogenetic location: 19p13.2.
Variant type: single nucleotide variant.
Coding change: c.2837C>G on transcript NM_003072.5 (MANE Select); coding-DNA position 2837, C replaced by G.
Protein change: p.Pro946Arg; replaces proline 946 with arginine.
Molecular consequence: missense variant. On other transcripts: non-coding transcript variant (1).
Genome position (GRCh38, 1-based): chr19:11,021,945, C>G. VCF-style: chr19-11021945-C-G. GRCh37 (hg19) VCF-style: chr19-11132621-C-G.
Other names: c.2837C>G, p.Pro946Arg (NM_001128844.3, NM_001128845.2, NM_001128846.2 and 5 more transcripts); short protein forms P946R.
Identifiers: ClinVar variation 436811 (VCV000436811.11), dbSNP rs1555778830, ClinGen allele CA404056991.